The following is an entry in ClinVar:

NM_000302.4(PLOD1):c.*71C>G

Gene: PLOD1 (procollagen-lysine,2-oxoglutarate 5-dioxygenase 1; plus strand). Cytogenetic location: 1p36.22.
Variant type: single nucleotide variant.
Coding change: c.*71C>G on transcript NM_000302.4 (MANE Select); 71 bases downstream of the stop codon, C replaced by G.
Molecular consequence: 3 prime UTR variant.
Genome position (GRCh38, 1-based): chr1:11,974,879, C>G. VCF-style: chr1-11974879-C-G. GRCh37 (hg19) VCF-style: chr1-12034936-C-G.
Other names: c.*71C>G (NM_001316320.2).
Identifiers: ClinVar variation 292353 (VCV000292353.8), dbSNP rs2230899, ClinGen allele CA10607997.
Genomic context (GRCh38, chr1:11,974,879, plus strand): 5'-CTGACCCTCTTGGACCTTTCTTCTTTGCCGACAACCACTGCCCAGCAGCCTCTGGGACCT[C>G]GGGGTCCCAGGGAACCCAGTCCAGCCTCCTGGCTGTTGACTTCCCATTGCTCTTGGAGCC-3'

ClinVar aggregate classification (germline): Benign. Review status: criteria provided, multiple submitters, no conflicts (2 of 4 stars). 3 submissions from 3 submitters: Benign (3). Last evaluated 2018-06-14.

Conditions:
Ehlers-Danlos syndrome, kyphoscoliotic type 1 (EDSKSCL1). Also called: EHLERS-DANLOS SYNDROME, TYPE VIA; Ehlers-Danlos syndrome, hydroxylysine-deficient; EHLERS-DANLOS SYNDROME, OCULAR-SCOLIOTIC TYPE; PLOD1-Related Kyphoscoliotic Ehlers-Danlos Syndrome. Identifiers: Orphanet 1900, MedGen C0268342, MONDO:0016002, OMIM 225400. Disease mechanism: loss of function.

Allele frequency attached by ClinVar (database versions not stated): gnomAD 0.02327; 1000 Genomes Project 0.02376; TOPMed 0.02385; 1000 Genomes Project 30x 0.02545.
gnomAD v4.1: 6,886 of 1,526,558 alleles (0.45%); highest among the groups gnomAD compares: African/African-American, 7.8%; 216 homozygotes.

Submissions (3):

GeneDx
Classification: Benign. Last evaluated: 2018-06-14. Review status: criteria provided, single submitter. Criteria: GeneDx Variant Classification Process June 2021. Collection method: clinical testing. Allele origin: germline. Affected: yes.

Illumina Laboratory Services, Illumina
Classification: Benign for Ehlers-Danlos syndrome, kyphoscoliotic type 1. Last evaluated: 2018-01-13. Review status: criteria provided, single submitter. Criteria: ICSL Variant Classification Criteria 13 December 2019. Collection method: clinical testing. Allele origin: germline.
Comment: This variant was observed in the ICSL laboratory as part of a predisposition screen in an ostensibly healthy population. It had not been previously curated by ICSL or reported in the Human Gene Mutation Database (HGMD: prior to June 1st, 2018), and was therefore a candidate for classification through an automated scoring system. Utilizing variant allele frequency, disease prevalence and penetrance estimates, and inheritance mode, an automated score was calculated to assess if this variant is too frequent to cause the disease. Based on the score and internal cut-off values, a variant classified as benign is not then subjected to further curation. The score for this variant resulted in a classification of benign for this disease.

Breakthrough Genomics
Classification: Benign. Review status: criteria provided, single submitter. Criteria: ACMG Guidelines, 2015. Collection method: not provided. Allele origin: germline. Inheritance: Autosomal recessive inheritance. Affected: yes.